The following is an entry in ClinVar:

NM_000187.4(HGD):c.448del (p.Ser150fs)

Gene: HGD (homogentisate 1,2-dioxygenase; minus strand). Cytogenetic location: 3q13.33.
Variant type: Deletion.
Coding change: c.448del on transcript NM_000187.4 (MANE Select); coding-DNA position 448, one base deleted (T; older notation c.448delT).
Protein change: p.Ser150fs; shifts the reading frame from serine 150.
Molecular consequence: frameshift variant.
Genome position (GRCh38, 1-based): chr3:120,647,898, A deleted on the plus strand (T on the coding strand, the reverse complement: HGD is on the minus strand); the first of 2 consecutive A bases (chr3:120,647,898-120,647,899); deleting either gives the same sequence. VCF-style (leftmost placement, unchanged base first): chr3-120647897-GA-G. GRCh37 (hg19) VCF-style: chr3-120366744-GA-G.
Other names: short protein forms S150fs.
Identifiers: ClinVar variation 2112733 (VCV002112733.4), dbSNP rs2472705610, ClinGen allele CA2580068606.

ClinVar aggregate classification (germline): Pathogenic (1 of 4 stars; one submission).

Conditions:
Alkaptonuria (AKU). Also called: HOMOGENTISIC ACID OXIDASE DEFICIENCY; Alkaptonuric ochronosis; Alcaptonuria; Homogentisic acidura. Identifiers: Orphanet 56, MedGen C0002066, MONDO:0008753, OMIM 203500.

Submission:

Labcorp Genetics (formerly Invitae), Labcorp
Classification: Pathogenic for Alkaptonuria. Last evaluated: 2022-03-15. Review status: criteria provided, single submitter. Criteria: Invitae Variant Classification Sherloc (09022015). Collection method: clinical testing. Allele origin: germline.
Comment: For these reasons, this variant has been classified as Pathogenic. This variant has not been reported in the literature in individuals affected with HGD-related conditions. This variant is not present in population databases (gnomAD no frequency). This sequence change creates a premature translational stop signal (p.Ser150Glnfs*6) in the HGD gene. It is expected to result in an absent or disrupted protein product. Loss-of-function variants in HGD are known to be pathogenic (PMID: 12501223, 19862842).

Literature cited by the submitters: PubMed 12501223; PubMed 19862842.